The following is an entry in ClinVar:

NM_173598.6(KSR2):c.2692G>A (p.Gly898Ser)

Gene: KSR2 (kinase suppressor of ras 2; minus strand). Cytogenetic location: 12q24.22.
Variant type: single nucleotide variant.
Coding change: c.2692G>A on transcript NM_173598.6 (MANE Select); coding-DNA position 2692, G replaced by A.
Protein change: p.Gly898Ser; replaces glycine 898 with serine.
Molecular consequence: missense variant.
Genome position (GRCh38, 1-based): chr12:117,471,211, C>T on the plus strand (G>A on the coding strand, the complement: KSR2 is on the minus strand). VCF-style: chr12-117471211-C-T. GRCh37 (hg19) VCF-style: chr12-117909016-C-T.
Other names: short protein forms G898S.
Identifiers: ClinVar variation 3349269 (VCV003349269.1).
Genomic context (GRCh38, chr12:117,471,211, plus strand): 5'-TCCCCTCATCCCCCAAGTCTGGACCTATCTTGGGACTTACCGAGATTTCTTTTCCCATGC[C>T]AATCTGGCTGAGGTTGGGTTTCATGCCTGTGCCCATTTGCCAGATTATTGCCTCTGCTGG-3'
Protein context (NP_775869.4, residues 888-908): TGMKPNLSQI[Gly898Ser]MGKEISDILL

ClinVar aggregate classification (germline): Uncertain significance (0 of 4 stars; one submission).

Conditions:
KSR2-related disorder. Also called: KSR2-related condition.

gnomAD v4.1: 1 of 1,613,898 alleles (0.000062%); highest among the groups gnomAD compares: Admixed American, 0.0017%; no homozygotes.

Submission:

PreventionGenetics, part of Exact Sciences
Classification: Uncertain significance for KSR2-related condition. Last evaluated: 2023-11-17. Review status: no assertion criteria provided. Collection method: clinical testing. Allele origin: germline.
Comment: The KSR2 c.2605G>A variant is predicted to result in the amino acid substitution p.Gly869Ser. To our knowledge, this variant has not been reported in the literature. This variant is reported in 0.0029% of alleles in individuals of Latino descent in gnomAD. At this time, the clinical significance of this variant is uncertain due to the absence of conclusive functional and genetic evidence.